The following is an entry in ClinVar:

ClinVar aggregate classification (germline): Uncertain significance (1 of 4 stars; one submission).

Allele frequency attached by ClinVar (database versions not stated): gnomAD exomes below 0.00001.
gnomAD v4.1: 2 of 1,610,464 alleles (0.00012%); highest among the groups gnomAD compares: Middle Eastern, 0.017%; no homozygotes.

Submission:

Labcorp Genetics (formerly Invitae), Labcorp
Classification: Uncertain significance. Last evaluated: 2021-03-21. Review status: criteria provided, single submitter. Criteria: Invitae Variant Classification Sherloc (09022015). Collection method: clinical testing. Allele origin: germline.
Comment: In summary, the available evidence is currently insufficient to determine the role of this variant in disease. Therefore, it has been classified as a Variant of Uncertain Significance. Algorithms developed to predict the effect of missense changes on protein structure and function output the following: SIFT: "Tolerated"; PolyPhen-2: "Benign"; Align-GVGD: "Class C0". The aspartic acid amino acid residue is found in multiple mammalian species, suggesting that this missense change does not adversely affect protein function. These predictions have not been confirmed by published functional studies and their clinical significance is uncertain. This variant has not been reported in the literature in individuals with PLAA-related conditions. This variant is not present in population databases (ExAC no frequency). This sequence change replaces glutamic acid with aspartic acid at codon 335 of the PLAA protein (p.Glu335Asp). The glutamic acid residue is moderately conserved and there is a small physicochemical difference between glutamic acid and aspartic acid.

NM_001031689.3(PLAA):c.1005G>C (p.Glu335Asp)

Gene: PLAA (phospholipase A2 activating protein; minus strand). Cytogenetic location: 9p21.2.
Variant type: single nucleotide variant.
Coding change: c.1005G>C on transcript NM_001031689.3 (MANE Select); coding-DNA position 1005, G replaced by C.
Protein change: p.Glu335Asp; replaces glutamic acid 335 with aspartic acid.
Molecular consequence: missense variant.
Genome position (GRCh38, 1-based): chr9:26,923,212, C>G on the plus strand (G>C on the coding strand, the complement: PLAA is on the minus strand). VCF-style: chr9-26923212-C-G. GRCh37 (hg19) VCF-style: chr9-26923210-C-G.
Other names: c.1005G>C, p.Glu335Asp (NM_001321546.2); short protein forms E335D.
Identifiers: ClinVar variation 1380223 (VCV001380223.8), dbSNP rs2131386827, ClinGen allele CA373132805.